The following is an entry in ClinVar:

NM_004260.4(RECQL4):c.1258+5G>C

Gene: RECQL4 (RecQ like helicase 4; minus strand). Cytogenetic location: 8q24.3.
Variant type: single nucleotide variant.
Coding change: c.1258+5G>C on transcript NM_004260.4 (MANE Select); 5 bases into the intron after coding-DNA position 1258, G replaced by C.
Molecular consequence: intron variant.
Genome position (GRCh38, 1-based): chr8:144,515,759, C>G on the plus strand (G>C on the coding strand, the complement: RECQL4 is on the minus strand). VCF-style: chr8-144515759-C-G. GRCh37 (hg19) VCF-style: chr8-145741143-C-G.
Identifiers: ClinVar variation 848254 (VCV000848254.6), dbSNP rs1828073339, ClinGen allele CA916083025.
Genomic context (GRCh38, chr8:144,515,759, plus strand): 5'-CCAAAAGAGCACTGCGCCCTCTCCACAGTGTTGGCCGGACCCACCCTCCAGGGCAGATGT[C>G]TCACCTGGCCGGGGACACTGGGCTGCCCAGTGATCGAACTGCTCGTTCAGGAAACAAGAC-3'

ClinVar aggregate classification (germline): Uncertain significance (1 of 4 stars; one submission).

Conditions:
Baller-Gerold syndrome (BGS). Also called: CRANIOSYNOSTOSIS WITH RADIAL DEFECTS. Identifiers: Orphanet 1225, MedGen C0265308, MONDO:0009039, OMIM 218600.

Allele frequency attached by ClinVar (database versions not stated): gnomAD exomes below 0.00001.
gnomAD v4.1: 1 of 1,612,088 alleles (0.000062%); highest among the groups gnomAD compares: East Asian, 0.0022%; no homozygotes.

Submission:

Labcorp Genetics (formerly Invitae), Labcorp
Classification: Uncertain significance for Baller-Gerold syndrome. Last evaluated: 2022-06-29. Review status: criteria provided, single submitter. Criteria: Invitae Variant Classification Sherloc (09022015). Collection method: clinical testing. Allele origin: germline.
Comment: This sequence change falls in intron 6 of the RECQL4 gene. It does not directly change the encoded amino acid sequence of the RECQL4 protein. It affects a nucleotide within the consensus splice site. This variant is not present in population databases (gnomAD no frequency). This variant has not been reported in the literature in individuals affected with RECQL4-related conditions. ClinVar contains an entry for this variant (Variation ID: 848254). Variants that disrupt the consensus splice site are a relatively common cause of aberrant splicing (PMID: 17576681, 9536098). Algorithms developed to predict the effect of sequence changes on RNA splicing suggest that this variant may disrupt the consensus splice site. In summary, the available evidence is currently insufficient to determine the role of this variant in disease. Therefore, it has been classified as a Variant of Uncertain Significance.

Literature cited by the submitters: PubMed 17576681; PubMed 9536098.